The following is an entry in ClinVar:

NM_000135.4(FANCA):c.1360-7C>T

Gene: FANCA (FA complementation group A; minus strand). Cytogenetic location: 16q24.3.
Variant type: single nucleotide variant.
Coding change: c.1360-7C>T on transcript NM_000135.4 (MANE Select); 7 bases into the intron before coding-DNA position 1360, C replaced by T.
Molecular consequence: intron variant.
Genome position (GRCh38, 1-based): chr16:89,784,971, G>A on the plus strand (C>T on the coding strand, the complement: FANCA is on the minus strand). VCF-style: chr16-89784971-G-A. GRCh37 (hg19) VCF-style: chr16-89851379-G-A.
Other names: c.1360-7C>T (NM_001286167.3, NM_000135.3, LRG_495t1).
Identifiers: ClinVar variation 321359 (VCV000321359.36), dbSNP rs17232616, ClinGen allele CA8252353.
Genomic context (GRCh38, chr16:89,784,971, plus strand): 5'-GACCAGGGCCTTCTTGCTGCAGCCATGGTAGCCTCGTGTGCTCCCAAAGGAGGCCTGTGT[G>A]GAGAGAAGAGCGTGAAGCCCAGGACAGCCAGGCGCGGCTGCACCACCTAGGCAGTGTCCT-3'

ClinVar aggregate classification (germline): Benign. Review status: criteria provided, multiple submitters, no conflicts (2 of 4 stars). 10 submissions from 10 submitters: Benign (9). 1 of the submissions does not count toward it. Last evaluated 2026-02-04.

Conditions:
Fanconi anemia (FA). Also called: Fanconi's anemia. Identifiers: Orphanet 84, MedGen C0015625, MeSH D005199, MONDO:0019391.
Fanconi anemia complementation group A (FANCA). Also called: Fanconi anemia, group A; FANCA-Related Fanconi Anemia. Identifiers: Orphanet 84, MedGen C3469521, MONDO:0009215, OMIM 227650.

Allele frequency attached by ClinVar (database versions not stated): gnomAD exomes 0.00271 and 0.00734; ExAC 0.00939; gnomAD 0.02834 and 0.03003; TOPMed 0.03184; ESP Exome Variant Server 0.03286; 1000 Genomes Project 0.03774; 1000 Genomes Project 30x 0.03998.
gnomAD v4.1: 8,406 of 1,608,154 alleles (0.52%); highest among the groups gnomAD compares: African/African-American, 10%; 371 homozygotes.

Submissions (10):

Labcorp Genetics (formerly Invitae), Labcorp
Classification: Benign for Fanconi anemia. Last evaluated: 2026-02-04. Review status: criteria provided, single submitter. Criteria: Invitae Variant Classification Sherloc (09022015). Collection method: clinical testing. Allele origin: germline.

Dasa
Classification: Benign. Last evaluated: 2026-01-05. Review status: criteria provided, single submitter. Criteria: DASA Assertion Criteria. Collection method: clinical testing. Allele origin: germline.
Comment: NM_000135.4(FANCA):c.1360-7C>T is a splice-region variant. Population frequency is inconsistent with a disease-causing role for this variant, and observations in unaffected individuals support a benign interpretation. Computational prediction algorithms are consistent with a benign effect. Therefore, based on the currently available evidence, this variant is classified as benign.

Quest Diagnostics Nichols Institute San Juan Capistrano
Classification: Benign. Last evaluated: 2025-06-30. Review status: criteria provided, single submitter. Criteria: Quest Diagnostics criteria. Collection method: clinical testing. Allele origin: unknown.

CeGaT Center for Human Genetics Tuebingen
Classification: Benign. Last evaluated: 2025-06-01. Review status: criteria provided, single submitter. Criteria: CeGaT Center For Human Genetics Tuebingen Variant Classification Criteria Version 2. Collection method: clinical testing. Allele origin: germline. Affected: yes. Observed: 1 variant allele.
Comment: FANCA: BP4, BS1, BS2

ARUP Laboratories, Molecular Genetics and Genomics, ARUP Laboratories
Classification: Benign for Fanconi anemia complementation group A. Last evaluated: 2024-05-07. Review status: criteria provided, single submitter. Criteria: ARUP Molecular Germline Variant Investigation Process 2024. Collection method: clinical testing. Allele origin: germline.

KCCC/NGS Laboratory, Kuwait Cancer Control Center
Classification: Benign for Fanconi anemia complementation group A. Last evaluated: 2023-07-07. Review status: criteria provided, single submitter. Criteria: ACMG Guidelines, 2015. Collection method: clinical testing. Allele origin: germline. Affected: yes.

GeneDx
Classification: Benign. Last evaluated: 2019-03-24. Review status: criteria provided, single submitter. Criteria: GeneDx Variant Classification Process June 2021. Collection method: clinical testing. Allele origin: germline. Affected: yes.

Illumina Laboratory Services, Illumina
Classification: Benign for Fanconi anemia complementation group A. Last evaluated: 2018-01-13. Review status: criteria provided, single submitter. Criteria: ICSL Variant Classification Criteria 13 December 2019. Collection method: clinical testing. Allele origin: germline.
Comment: This variant was observed in the ICSL laboratory as part of a predisposition screen in an ostensibly healthy population. It had not been previously curated by ICSL or reported in the Human Gene Mutation Database (HGMD: prior to June 1st, 2018), and was therefore a candidate for classification through an automated scoring system. Utilizing variant allele frequency, disease prevalence and penetrance estimates, and inheritance mode, an automated score was calculated to assess if this variant is too frequent to cause the disease. Based on the score and internal cut-off values, a variant classified as benign is not then subjected to further curation. The score for this variant resulted in a classification of benign for this disease.

Breakthrough Genomics
Classification: Benign. Review status: criteria provided, single submitter. Criteria: ACMG Guidelines, 2015. Collection method: not provided. Allele origin: germline. Inheritance: Autosomal recessive inheritance. Affected: yes.

Natera, Inc.
Classification: Benign for Fanconi anemia, group A. Last evaluated: 2020-09-16. Review status: no assertion criteria provided. Collection method: clinical testing. Allele origin: germline. Not counted in ClinVar's aggregate classification.